The following is an entry in ClinVar:

ClinVar aggregate classification (germline): Uncertain significance (1 of 4 stars; one submission).

Conditions:
Neuroblastoma, susceptibility to, 3. Also called: ALK-Related Neuroblastic Tumor Susceptibility. Identifiers: Orphanet 635, MedGen C2751681, MONDO:0013083, OMIM 613014.

Submission:

Labcorp Genetics (formerly Invitae), Labcorp
Classification: Uncertain significance for Neuroblastoma, susceptibility to, 3. Last evaluated: 2022-09-05. Review status: criteria provided, single submitter. Criteria: Invitae Variant Classification Sherloc (09022015). Collection method: clinical testing. Allele origin: germline.
Comment: This variant has not been reported in the literature in individuals affected with ALK-related conditions. In summary, the available evidence is currently insufficient to determine the role of this variant in disease. Therefore, it has been classified as a Variant of Uncertain Significance. Algorithms developed to predict the effect of missense changes on protein structure and function are either unavailable or do not agree on the potential impact of this missense change (SIFT: "Deleterious"; PolyPhen-2: "Benign"; Align-GVGD: "Class C0"). This variant is not present in population databases (gnomAD no frequency). This sequence change replaces aspartic acid, which is acidic and polar, with alanine, which is neutral and non-polar, at codon 70 of the ALK protein (p.Asp70Ala).

NM_004304.5(ALK):c.209A>C (p.Asp70Ala)

Gene: ALK (ALK receptor tyrosine kinase; minus strand). Cytogenetic location: 2p23.1.
Variant type: single nucleotide variant.
Coding change: c.209A>C on transcript NM_004304.5 (MANE Select); coding-DNA position 209, A replaced by C.
Protein change: p.Asp70Ala; replaces aspartic acid 70 with alanine.
Molecular consequence: missense variant.
Genome position (GRCh38, 1-based): chr2:29,920,451, T>G on the plus strand (A>C on the coding strand, the complement: ALK is on the minus strand). VCF-style: chr2-29920451-T-G. GRCh37 (hg19) VCF-style: chr2-30143317-T-G.
Other names: short protein forms D70A.
Identifiers: ClinVar variation 2108275 (VCV002108275.4), dbSNP rs760987652, ClinGen allele CA346590479.